The following is an entry in ClinVar:

NM_000135.4(FANCA):c.4185dup (p.Ile1396fs)

Genes: FANCA (FA complementation group A; minus strand), ZNF276 (zinc finger protein 276; plus strand). Cytogenetic location: 16q24.3.
Variant type: Duplication.
Coding change: c.4185dup on transcript NM_000135.4 (MANE Select); coding-DNA position 4185, one base duplicated (G; older notation c.4185dupG).
Protein change: p.Ile1396fs; shifts the reading frame from isoleucine 1396.
Molecular consequence: frameshift variant. On other transcripts: 3 prime UTR variant (2), non-coding transcript variant (4).
Genome position (GRCh38, 1-based): chr16:89,738,957, C duplicated on the plus strand (G on the coding strand, the reverse complement: FANCA is on the minus strand). VCF-style (leftmost placement, unchanged base first): chr16-89738956-T-TC. GRCh37 (hg19) VCF-style: chr16-89805364-T-TC.
Other names: c.4185dupG (NM_000135.4); c.4189dup, p.Asp1397fs (NM_001286167.3); c.*711dup (NM_001113525.2, NM_152287.4); short protein forms D1397fs, I1396fs.
Identifiers: ClinVar variation 1045251 (VCV001045251.11), dbSNP rs2062046121, ClinGen allele CA2241889452.

ClinVar aggregate classification (germline): Pathogenic. Review status: criteria provided, multiple submitters, no conflicts (2 of 4 stars). 2 submissions from 2 submitters: Pathogenic (2). Last evaluated 2023-10-06.

Conditions:
Fanconi anemia (FA). Also called: Fanconi's anemia. Identifiers: Orphanet 84, MedGen C0015625, MeSH D005199, MONDO:0019391.

Submissions (2):

Labcorp Genetics (formerly Invitae), Labcorp
Classification: Pathogenic for Fanconi anemia. Last evaluated: 2023-10-06. Review status: criteria provided, single submitter. Criteria: Invitae Variant Classification Sherloc (09022015). Collection method: clinical testing. Allele origin: germline.
Comment: This sequence change creates a premature translational stop signal (p.Ile1396Aspfs*29) in the FANCA gene. While this is not anticipated to result in nonsense mediated decay, it is expected to disrupt the last 60 amino acid(s) of the FANCA protein. This variant is not present in population databases (gnomAD no frequency). This variant has not been reported in the literature in individuals affected with FANCA-related conditions. ClinVar contains an entry for this variant (Variation ID: 1045251). Algorithms developed to predict the effect of sequence changes on RNA splicing suggest that this variant may disrupt the consensus splice site. This variant disrupts a region of the FANCA protein in which other variant(s) (p.Asp1427Thrfs*6) have been determined to be pathogenic (PMID: 11091222). This suggests that this is a clinically significant region of the protein, and that variants that disrupt it are likely to be disease-causing. For these reasons, this variant has been classified as Pathogenic.

Dept. of Cytogenetics, ICMR- National Institute of Immunohaematology
Classification: Pathogenic for Fanconi anemia. Review status: criteria provided, single submitter. Criteria: ACMG Guidelines, 2015. Collection method: clinical testing. Allele origin: germline. Affected: yes. Observed: 3 variant alleles.

Literature cited by the submitters: PubMed 11091222 (cited by Labcorp Genetics (formerly Invitae), Labcorp).